The following is an entry in ClinVar:

NM_174936.4(PCSK9):c.1394C>G (p.Ser465Trp)

Gene: PCSK9 (proprotein convertase subtilisin/kexin type 9; plus strand). Cytogenetic location: 1p32.3.
Variant type: single nucleotide variant.
Coding change: c.1394C>G on transcript NM_174936.4 (MANE Select); coding-DNA position 1394, C replaced by G.
Protein change: p.Ser465Trp; replaces serine 465 with tryptophan.
Molecular consequence: missense variant.
Genome position (GRCh38, 1-based): chr1:55,058,538, C>G. VCF-style: chr1-55058538-C-G. GRCh37 (hg19) VCF-style: chr1-55524211-C-G.
Other names: c.1517C>G, p.Ser506Trp (NM_001407240.1); c.1394C>G, p.Ser465Trp (NM_001407241.1); c.1397C>G, p.Ser466Trp (NM_001407242.1); c.1337C>G, p.Ser446Trp (NM_001407243.1); c.1220C>G, p.Ser407Trp (NM_001407244.1); c.1202C>G, p.Ser401Trp (NM_001407245.1); c.1019C>G, p.Ser340Trp (NM_001407246.1); short protein forms S340W, S401W, S407W, S446W, S465W, S466W, S506W.
Identifiers: ClinVar variation 2418130 (VCV002418130.6), dbSNP rs778849441, ClinGen allele CA036756.

ClinVar aggregate classification (germline): Conflicting classifications of pathogenicity. Review status: criteria provided, conflicting classifications (1 of 4 stars). 4 submissions from 4 submitters: Likely pathogenic (1); Uncertain significance (3). Last evaluated 2025-09-17.

Conditions:
Cardiovascular phenotype. Identifiers: MedGen CN230736.
Familial hypercholesterolemia. Also called: Familial hypercholesterolemias; Familial hypercholesterolaemia. Identifiers: MedGen C0020445, MONDO:0005439.
Hypercholesterolemia, autosomal dominant, 3 (FHCL3). Also called: Familial Hypercholesterolemia, Autosomal Dominant, 3; PCSK9-Related Familial Hypercholesterolemia, Autosomal Dominant; Familial hypercholesterolemia 3. Identifiers: MedGen C1863551, MONDO:0011369, OMIM 603776.

Allele frequency attached by ClinVar (database versions not stated): gnomAD 0.00001; ExAC 0.00002.
gnomAD v4.1: 10 of 1,612,060 alleles (0.00062%); highest among the groups gnomAD compares: South Asian, 0.011%; no homozygotes.

Submissions (4):

Cambridge Genomics Laboratory, East Genomic Laboratory Hub, NHS Genomic Medicine Service
Classification: Uncertain significance for Familial hypercholesterolaemia. Last evaluated: 2025-09-17. Review status: criteria provided, single submitter. Criteria: ACGS Best Practice Guidelines for Variant Classification in Rare Disease 2020. Collection method: clinical testing. Allele origin: germline. Affected: yes.

Ambry Genetics
Classification: Uncertain significance for Cardiovascular phenotype. Last evaluated: 2025-07-08. Review status: criteria provided, single submitter. Criteria: Ambry Variant Classification Scheme 2023. Collection method: clinical testing. Allele origin: germline.
Comment: The p.S465W variant (also known as c.1394C>G), located in coding exon 9 of the PCSK9 gene, results from a C to G substitution at nucleotide position 1394. The serine at codon 465 is replaced by tryptophan, an amino acid with highly dissimilar properties. This variant was reported in individual(s) with features consistent with familial hypercholesterolemia (Ambry internal data).This amino acid position is well conserved in available vertebrate species. In addition, the in silico prediction for this alteration is inconclusive. Based on the available evidence, the clinical significance of this variant remains unclear.

GeneDx
Classification: Uncertain significance. Last evaluated: 2024-05-29. Review status: criteria provided, single submitter. Criteria: GeneDx Variant Classification Process June 2021. Collection method: clinical testing. Allele origin: germline. Affected: yes.
Comment: Not observed at significant frequency in large population cohorts (gnomAD); In silico analysis supports that this missense variant has a deleterious effect on protein structure/function; Has not been previously published as pathogenic or benign to our knowledge

Labcorp Genetics (formerly Invitae), Labcorp
Classification: Likely pathogenic for Hypercholesterolemia, autosomal dominant, 3. Last evaluated: 2022-08-15. Review status: criteria provided, single submitter. Criteria: Invitae Variant Classification Sherloc (09022015). Collection method: clinical testing. Allele origin: germline.
Comment: This sequence change replaces serine, which is neutral and polar, with tryptophan, which is neutral and slightly polar, at codon 465 of the PCSK9 protein (p.Ser465Trp). This variant is present in population databases (rs778849441, gnomAD 0.01%). This variant has not been reported in the literature in individuals affected with PCSK9-related conditions. Advanced modeling of protein sequence and biophysical properties (such as structural, functional, and spatial information, amino acid conservation, physicochemical variation, residue mobility, and thermodynamic stability) performed at Invitae indicates that this missense variant is expected to disrupt PCSK9 protein function. This variant disrupts the p.Ser465 amino acid residue in PCSK9. Other variant(s) that disrupt this residue have been determined to be pathogenic (PMID: 24607922). This suggests that this residue is clinically significant, and that variants that disrupt this residue are likely to be disease-causing. In summary, the currently available evidence indicates that the variant is pathogenic, but additional data are needed to prove that conclusively. Therefore, this variant has been classified as Likely Pathogenic.

Literature cited by the submitters: PubMed 24607922 (cited by Labcorp Genetics (formerly Invitae), Labcorp).